The following is an entry in ClinVar:

ClinVar aggregate classification (germline): Uncertain significance (1 of 4 stars; one submission).

Conditions:
Hereditary cancer-predisposing syndrome. Also called: Hereditary neoplastic syndrome; Neoplastic Syndromes, Hereditary; Tumor predisposition; Hereditary Cancer Syndrome. Identifiers: Orphanet 140162, MedGen C0027672, MeSH D009386, MONDO:0015356.

Submission:

Ambry Genetics
Classification: Uncertain significance for Hereditary cancer-predisposing syndrome. Last evaluated: 2025-08-27. Review status: criteria provided, single submitter. Criteria: Ambry Variant Classification Scheme 2023. Collection method: clinical testing. Allele origin: germline.
Comment: The p.D328A variant (also known as c.983A>C), located in coding exon 11 of the MUTYH gene, results from an A to C substitution at nucleotide position 983. The aspartic acid at codon 328 is replaced by alanine, an amino acid with dissimilar properties. This amino acid position is conserved. In addition, this alteration is predicted to be tolerated by in silico analysis. Based on the available evidence, the clinical significance of this variant remains unclear.

NM_001048174.2(MUTYH):c.899A>C (p.Asp300Ala)

Gene: MUTYH (mutY DNA glycosylase; minus strand). Cytogenetic location: 1p34.1.
Variant type: single nucleotide variant.
Coding change: c.899A>C on transcript NM_001048174.2 (MANE Select); coding-DNA position 899, A replaced by C.
Protein change: p.Asp300Ala; replaces aspartic acid 300 with alanine.
Molecular consequence: missense variant. On other transcripts: non-coding transcript variant (7).
Genome position (GRCh38, 1-based): chr1:45,332,037, T>G on the plus strand (A>C on the coding strand, the complement: MUTYH is on the minus strand). VCF-style: chr1-45332037-T-G. GRCh37 (hg19) VCF-style: chr1-45797709-T-G.
Other names: c.941A>C, p.Asp314Ala (NM_001407083.1, NM_001407085.1); c.902A>C, p.Asp301Ala (NM_001407086.1, NM_001048172.2, NM_001407078.1 and 1 more transcripts); c.920A>C, p.Asp307Ala (NM_001407087.1); c.899A>C, p.Asp300Ala (NM_001048171.2, NM_001048173.2, NM_001407088.1 and 6 more transcripts); c.983A>C, p.Asp328Ala (NM_001128425.2); c.944A>C, p.Asp315Ala (NM_001293190.2); c.932A>C, p.Asp311Ala (NM_001293191.2, NM_001407077.1, NM_001407069.1); c.623A>C, p.Asp208Ala (NM_001293192.2, NM_001407091.1, NM_001293196.2); and 5 more; short protein forms D287A, D301A, D325A, D208A, D272A, D307A, D328A, D286A.
Identifiers: ClinVar variation 4113985 (VCV004113985.1).
Genomic context (GRCh38, chr1:45,332,037, plus strand): 5'-GACTGGGCCAGGAAGGGTTGGGGTGGGGGCTAGGTTTGGTGCTCACCACACTCCTCCACG[T>G]CAGGACTGCCCGACAGGCTCCCTGAGGCTAAGAGCTGTTCCTGCTCCACCTGAGAGGCAC-3'
Protein context (NP_001041639.1, residues 290-310): LASGSLSGSP[Asp300Ala]VEECAPNTGQ